The following is an entry in ClinVar:

NM_183050.4(BCKDHB):c.391G>A (p.Gly131Arg)

Gene: BCKDHB (branched chain keto acid dehydrogenase E1 subunit beta; plus strand). Cytogenetic location: 6q14.1.
Variant type: single nucleotide variant.
Coding change: c.391G>A on transcript NM_183050.4 (MANE Select); coding-DNA position 391, G replaced by A.
Protein change: p.Gly131Arg; replaces glycine 131 with arginine.
Molecular consequence: missense variant. On other transcripts: non-coding transcript variant (6).
Genome position (GRCh38, 1-based): chr6:80,167,725, G>A. VCF-style: chr6-80167725-G-A. GRCh37 (hg19) VCF-style: chr6-80877442-G-A.
Other names: c.391G>A, p.Gly131Arg (NM_000056.5, NM_001424035.1, NM_001424036.1 and 8 more transcripts); c.181G>A, p.Gly61Arg (NM_001318975.1, NM_001424043.1); short protein forms G131R, G61R.
Identifiers: ClinVar variation 4817019 (VCV004817019.1).

ClinVar aggregate classification (germline): Likely pathogenic (1 of 4 stars; one submission).

Conditions:
Maple syrup urine disease type 1B (MSUD1B). Also called: MSUD type IB; MSUD type 3 (formerly); MSUD due to deficiency of e1-beta subunit of branched-chain alpha-keto acid dehydrogenase complex. Identifiers: MedGen C2930990, MONDO:0023692, OMIM 620698.

Submission:

Natera, Inc.
Classification: Likely pathogenic for Maple syrup urine disease type 1B. Last evaluated: 2025-10-13. Review status: criteria provided, single submitter. Criteria: Natera Variant Classification Schema (03/2026). Collection method: clinical testing. Allele origin: germline.
Comment: The c.391G>A variant in BCKDHB is a missense variant predicted to cause substitution of glycine to arginine at amino acid 131. This variant is rare in the general population with a frequency below the threshold expected for the associated phenotype(s). This variant has been observed in one or more individuals affected with the associated recessive disease, as either homozygous or compound heterozygous with a second variant (PMID: 32193832, 29740478, 28830848). A different variant at the same position has been determined to be Pathogenic or Likely Pathogenic. Computational prediction algorithms indicate this variant is likely to affect gene or protein function. Given the available evidence, this variant is classified as Likely Pathogenic.

Literature cited by the submitters: PubMed 32193832; PubMed 29740478; PubMed 28830848.